The following is an entry in ClinVar:

ClinVar aggregate classification (germline): Uncertain significance (1 of 4 stars; one submission).

gnomAD v4.1: 1 of 1,614,164 alleles (0.000062%); highest among the groups gnomAD compares: Non-Finnish European, 0.000085%; no homozygotes.

Submission:

GeneDx
Classification: Uncertain significance. Last evaluated: 2024-09-27. Review status: criteria provided, single submitter. Criteria: GeneDx Variant Classification Process June 2021. Collection method: clinical testing. Allele origin: germline. Affected: yes.
Comment: Not observed at significant frequency in large population cohorts (gnomAD); In silico analysis indicates that this missense variant does not alter protein structure/function; Has not been previously published as pathogenic or benign to our knowledge

NM_001348768.2(HECW2):c.157G>A (p.Val53Met)

Gene: HECW2 (HECT, C2 and WW domain containing E3 ubiquitin protein ligase 2; minus strand). Cytogenetic location: 2q32.3.
Variant type: single nucleotide variant.
Coding change: c.157G>A on transcript NM_001348768.2 (MANE Select); coding-DNA position 157, G replaced by A.
Protein change: p.Val53Met; replaces valine 53 with methionine.
Molecular consequence: missense variant.
Genome position (GRCh38, 1-based): chr2:196,433,267, C>T on the plus strand (G>A on the coding strand, the complement: HECW2 is on the minus strand). VCF-style: chr2-196433267-C-T. GRCh37 (hg19) VCF-style: chr2-197297991-C-T.
Other names: c.157G>A, p.Val53Met (NM_020760.4); short protein forms V53M.
Identifiers: ClinVar variation 3774800 (VCV003774800.1).
Genomic context (GRCh38, chr2:196,433,267, plus strand): 5'-CTTGCCCCAGCGTGTACTCGTACATGCTGGCAGTTAAGCTGGAGCGGCTCTCAGAAGTCA[C>T]CAGGTCGGTGTCGCTGTTGGCCCGCTGCAGGGTCATGTTCTCTGGCATGGAGCTCTGGGC-3'
Protein context (NP_001335697.1, residues 43-63): LQRANSDTDL[Val53Met]TSESRSSLTA